The following is an entry in ClinVar:

ClinVar aggregate classification (germline): Uncertain significance (1 of 4 stars; one submission).

Conditions:
Leigh syndrome (NULS). Also called: Leigh's necrotizing encephalopathy; Leigh's disease; Leigh Syndrome (mtDNA deletion); Leigh Disease; Subacute necrotizing encephalopathy; Necrotizing encephalopathy infantile subacute of Leigh. Identifiers: Orphanet 506, MedGen C2931891, MONDO:0009723, OMIM 256000.

Submission:

Wong Mito Lab, Molecular and Human Genetics, Baylor College of Medicine
Classification: Uncertain significance for Leigh syndrome. Last evaluated: 2019-10-17. Review status: criteria provided, single submitter. Criteria: Modified ACMG Guidelines (Unpublished). Collection method: clinical testing. Allele origin: germline.
Comment: The NC_012920.1:m.9357A>G (YP_003024032.1:p.Thr51Ala) variant in MTCO3 gene is interpretated to be a Uncertain Significance variant based on the modified ACMG guidelines (unpublished). This variant meets the following evidence codes: PM9, PP6, BP4

NC_012920.1(MT-CO3):m.9357A>G

Gene: MT-CO3 (mitochondrially encoded cytochrome c oxidase III; plus strand).
Variant type: single nucleotide variant.
Genome position: chrM-9357-A-G.
Identifiers: ClinVar variation 693156 (VCV000693156.1), dbSNP rs1603222269, ClinGen allele CA414802760.
Genomic context (GRCh38, chrMT:9,357, plus strand): 5'-CTAGCCATGTGATTTCACTTCCACTCCATAACGCTCCTCATACTAGGCCTACTAACCAAC[A>G]CACTAACCATATACCAATGATGGCGCGATGTAACACGAGAAAGCACATACCAAGGCCACC-3'